The following is an entry in ClinVar:

ClinVar aggregate classification (germline): Uncertain significance. Review status: criteria provided, multiple submitters, no conflicts (2 of 4 stars). 2 submissions from 2 submitters: Uncertain significance (2). Last evaluated 2024-02-24.

Conditions:
Inborn genetic diseases. Identifiers: MedGen C0950123, MeSH D030342.

Allele frequency attached by ClinVar (database versions not stated): gnomAD 0.00001; gnomAD exomes 0.00001 and 0.00002; ExAC 0.00002; TOPMed 0.00002; 1000 Genomes Project 30x 0.00016; 1000 Genomes Project 0.00020.
gnomAD v4.1: 13 of 1,613,686 alleles (0.00081%); highest among the groups gnomAD compares: East Asian, 0.0045%; no homozygotes.

Submissions (2):

Labcorp Genetics (formerly Invitae), Labcorp
Classification: Uncertain significance. Last evaluated: 2024-02-24. Review status: criteria provided, single submitter. Criteria: Invitae Variant Classification Sherloc (09022015). Collection method: clinical testing. Allele origin: germline.
Comment: This sequence change replaces alanine, which is neutral and non-polar, with valine, which is neutral and non-polar, at codon 40 of the OTOA protein (p.Ala40Val). This variant is present in population databases (rs201061211, gnomAD 0.006%). This variant has not been reported in the literature in individuals affected with OTOA-related conditions. ClinVar contains an entry for this variant (Variation ID: 1399219). An algorithm developed to predict the effect of missense changes on protein structure and function (PolyPhen-2) suggests that this variant is likely to be tolerated. In summary, the available evidence is currently insufficient to determine the role of this variant in disease. Therefore, it has been classified as a Variant of Uncertain Significance.

Ambry Genetics
Classification: Uncertain significance for Inborn genetic diseases. Last evaluated: 2023-02-14. Review status: criteria provided, single submitter. Criteria: Ambry Variant Classification Scheme 2023. Collection method: clinical testing. Allele origin: germline.

NM_144672.4(OTOA):c.119C>T (p.Ala40Val)

Gene: OTOA (otoancorin). Cytogenetic location: 16p12.2.
Variant type: single nucleotide variant.
Coding change: c.119C>T on transcript NM_144672.4 (MANE Select); coding-DNA position 119, C replaced by T.
Protein change: p.Ala40Val; replaces alanine 40 with valine.
Molecular consequence: missense variant.
Genome position (GRCh38, 1-based): chr16:21,678,942, C>T. VCF-style: chr16-21678942-C-T. GRCh37 (hg19) VCF-style: chr16-21690263-C-T.
Other names: c.119C>T (NM_144672.3); short protein forms A40V.
Identifiers: ClinVar variation 1399219 (VCV001399219.8), dbSNP rs201061211, ClinGen allele CA7952177.